The following is an entry in ClinVar:

NM_000455.5(STK11):c.173G>A (p.Gly58Asp)

Gene: STK11 (serine/threonine kinase 11; plus strand). Cytogenetic location: 19p13.3.
Variant type: single nucleotide variant.
Coding change: c.173G>A on transcript NM_000455.5 (MANE Select); coding-DNA position 173, G replaced by A.
Protein change: p.Gly58Asp; replaces glycine 58 with aspartic acid.
Molecular consequence: missense variant.
Genome position (GRCh38, 1-based): chr19:1,207,086, G>A. VCF-style: chr19-1207086-G-A. GRCh37 (hg19) VCF-style: chr19-1207085-G-A.
Other names: short protein forms G58D.
Identifiers: ClinVar variation 835911 (VCV000835911.10), dbSNP rs2080672099, ClinGen allele CA402944163.

ClinVar aggregate classification (germline): Uncertain significance (1 of 4 stars; one submission).

Conditions:
Peutz-Jeghers syndrome (PJS). Also called: Peutz-Jeghers polyposis; Periorificial lentiginosis syndrome; POLYPOSIS, HAMARTOMATOUS INTESTINAL; POLYPS-AND-SPOTS SYNDROME. Identifiers: Orphanet 2869, MedGen C0031269, MeSH D010580, MONDO:0008280, OMIM 175200.

Submission:

Labcorp Genetics (formerly Invitae), Labcorp
Classification: Uncertain significance for Peutz-Jeghers syndrome. Last evaluated: 2019-12-29. Review status: criteria provided, single submitter. Criteria: Invitae Variant Classification Sherloc (09022015). Collection method: clinical testing. Allele origin: germline.
Comment: In summary, the available evidence is currently insufficient to determine the role of this variant in disease. Therefore, it has been classified as a Variant of Uncertain Significance. Algorithms developed to predict the effect of missense changes on protein structure and function (SIFT, PolyPhen-2, Align-GVGD) all suggest that this variant is likely to be disruptive, but these predictions have not been confirmed by published functional studies and their clinical significance is uncertain. This variant has not been reported in the literature in individuals with STK11-related conditions. This variant is not present in population databases (ExAC no frequency). This sequence change replaces glycine with aspartic acid at codon 58 of the STK11 protein (p.Gly58Asp). The glycine residue is highly conserved and there is a moderate physicochemical difference between glycine and aspartic acid.